The following is an entry in ClinVar:

ClinVar aggregate classification (germline): Uncertain significance (1 of 4 stars; one submission).

Conditions:
Cataract 17 multiple types. Also called: CATARACT 17, PULVERULENT; CATARACT 17, CONGENITAL NUCLEAR, AUTOSOMAL RECESSIVE. Identifiers: Orphanet 91492, MedGen C3888124, MONDO:0012688, OMIM 611544.

Submission:

Labcorp Genetics (formerly Invitae), Labcorp
Classification: Uncertain significance for Cataract 17 multiple types. Last evaluated: 2025-12-06. Review status: criteria provided, single submitter. Criteria: Invitae Variant Classification Sherloc (09022015). Collection method: clinical testing. Allele origin: germline.
Comment: This sequence change creates a premature translational stop signal (p.Tyr206*) in the CRYBB1 gene. While this is not anticipated to result in nonsense mediated decay, it is expected to disrupt the last 47 amino acid(s) of the CRYBB1 protein. This variant is not present in population databases (gnomAD no frequency). This premature translational stop signal has been observed in individual(s) with congenital cataract (PMID: 33243271). In summary, the available evidence is currently insufficient to determine the role of this variant in disease. Therefore, it has been classified as a Variant of Uncertain Significance.

Literature cited by the submitters: PubMed 33243271.

NM_001887.4(CRYBB1):c.618C>G (p.Tyr206Ter)

Genes: CRYBA4 (crystallin beta A4; plus strand), CRYBB1 (crystallin beta B1; minus strand). Cytogenetic location: 22q12.1.
Variant type: single nucleotide variant.
Coding change: c.618C>G on transcript NM_001887.4 (MANE Select); coding-DNA position 618, C replaced by G.
Protein change: p.Tyr206Ter; replaces tyrosine 206 with a stop codon.
Molecular consequence: nonsense.
Genome position (GRCh38, 1-based): chr22:26,599,631, G>C on the plus strand (C>G on the coding strand, the complement: CRYBB1 is on the minus strand). VCF-style: chr22-26599631-G-C. GRCh37 (hg19) VCF-style: chr22-26995595-G-C.
Other names: short protein forms Y206*.
Identifiers: ClinVar variation 4722872 (VCV004722872.1).
Genomic context (GRCh38, chr22:26,599,631, plus strand): 5'-CATCTGTGGCTGGAAGGCTCCCCACTCATTCCAGTGCCGGAAGTCACCAGGCTCTAGGAG[G>C]TACTGGTACCCGCGGTAGCCAGGATACTGATAGCCAACCCATCTGAGAGAAAAGTGAGAA-3'